The following is an entry in ClinVar:

NM_015488.5(PNKD):c.1120G>A (p.Glu374Lys)

Genes: CATIP-AS2 (CATIP antisense RNA 2; minus strand), PNKD (PNKD metallo-beta-lactamase domain containing; plus strand). Cytogenetic location: 2q35.
Variant type: single nucleotide variant.
Coding change: c.1120G>A on transcript NM_015488.5 (MANE Select); coding-DNA position 1120, G replaced by A.
Protein change: p.Glu374Lys; replaces glutamic acid 374 with lysine.
Molecular consequence: missense variant.
Genome position (GRCh38, 1-based): chr2:218,344,943, G>A. VCF-style: chr2-218344943-G-A. GRCh37 (hg19) VCF-style: chr2-219209666-G-A.
Other names: c.1048G>A, p.Glu350Lys (NM_022572.5); short protein forms E374K, E350K.
Identifiers: ClinVar variation 1445852 (VCV001445852.8), dbSNP rs936912635, ClinGen allele CA65762098.

ClinVar aggregate classification (germline): Uncertain significance (1 of 4 stars; one submission).

Conditions:
Paroxysmal nonkinesigenic dyskinesia. Also called: Paroxysmal non-kinesigenic dyskinesia. Identifiers: Orphanet 98810, MedGen C1869117, MONDO:0700088.

Allele frequency attached by ClinVar (database versions not stated): gnomAD exomes below 0.00001; TOPMed 0.00005; gnomAD 0.00006 and 0.00007.
gnomAD v4.1: 10 of 1,614,006 alleles (0.00062%); highest among the groups gnomAD compares: African/African-American, 0.013%; no homozygotes.

Submission:

Labcorp Genetics (formerly Invitae), Labcorp
Classification: Uncertain significance for Paroxysmal nonkinesigenic dyskinesia. Last evaluated: 2024-05-23. Review status: criteria provided, single submitter. Criteria: Invitae Variant Classification Sherloc (09022015). Collection method: clinical testing. Allele origin: germline.
Comment: This sequence change replaces glutamic acid, which is acidic and polar, with lysine, which is basic and polar, at codon 374 of the PNKD protein (p.Glu374Lys). This variant is present in population databases (no rsID available, gnomAD 0.02%). This variant has not been reported in the literature in individuals affected with PNKD-related conditions. ClinVar contains an entry for this variant (Variation ID: 1445852). Advanced modeling of protein sequence and biophysical properties (such as structural, functional, and spatial information, amino acid conservation, physicochemical variation, residue mobility, and thermodynamic stability) performed at Invitae indicates that this missense variant is not expected to disrupt PNKD protein function with a negative predictive value of 80%. In summary, the available evidence is currently insufficient to determine the role of this variant in disease. Therefore, it has been classified as a Variant of Uncertain Significance.